The following is an entry in ClinVar:

NM_001387283.1(SMARCA4):c.4178C>A (p.Thr1393Lys)

Gene: SMARCA4 (SWI/SNF related BAF chromatin remodeling complex subunit ATPase 4; plus strand). Cytogenetic location: 19p13.2.
Variant type: single nucleotide variant.
Coding change: c.4178C>A on transcript NM_001387283.1 (MANE Plus Clinical); coding-DNA position 4178, C replaced by A.
Protein change: p.Thr1393Lys; replaces threonine 1393 with lysine.
Molecular consequence: missense variant. On other transcripts: intron variant (7).
Genome position (GRCh38, 1-based): chr19:11,039,465, C>A. VCF-style: chr19-11039465-C-A. GRCh37 (hg19) VCF-style: chr19-11150141-C-A.
Other names: c.4178C>A, p.Thr1393Lys (NM_001128849.3); c.4079C>A, p.Thr1360Lys (NM_001411150.1); c.4171-1842C>A (NM_001128844.3, NM_003072.5); c.4072-1842C>A (NM_001128847.4, NM_001374457.1, NM_001128848.2); c.4072-1833C>A (NM_001128845.2, NM_001128846.2); short protein forms T1393K, T1360K.
Identifiers: ClinVar variation 4549269 (VCV004549269.1).

ClinVar aggregate classification (germline): Uncertain significance (1 of 4 stars; one submission).

Conditions:
Hereditary cancer-predisposing syndrome. Also called: Tumor predisposition; Hereditary Cancer Syndrome; Hereditary neoplastic syndrome; Neoplastic Syndromes, Hereditary. Identifiers: Orphanet 140162, MedGen C0027672, MeSH D009386, MONDO:0015356.

Submission:

Ambry Genetics
Classification: Uncertain significance for Hereditary cancer-predisposing syndrome. Last evaluated: 2025-09-28. Review status: criteria provided, single submitter. Criteria: Ambry Variant Classification Scheme 2023. Collection method: clinical testing. Allele origin: germline.
Comment: The p.T1393K variant (also known as c.4178C>A), located in coding exon 29 of the SMARCA4 gene, results from a C to A substitution at nucleotide position 4178. The threonine at codon 1393 is replaced by lysine, an amino acid with similar properties. This amino acid position is conserved. In addition, this alteration is predicted to be tolerated by in silico analysis. Based on the available evidence, the clinical significance of this variant remains unclear.